The following is an entry in ClinVar:

ClinVar aggregate classification (germline): Uncertain significance. Review status: criteria provided, multiple submitters, no conflicts (2 of 4 stars). 3 submissions from 3 submitters: Uncertain significance (3). Last evaluated 2022-10-03.

Allele frequency attached by ClinVar (database versions not stated): gnomAD 0.00001; gnomAD exomes 0.00001; TOPMed 0.00001.
gnomAD v4.1: 11 of 1,533,804 alleles (0.00072%); highest among the groups gnomAD compares: Middle Eastern, 0.017%; no homozygotes.

Submissions (3):

Ambry Genetics
Classification: Uncertain significance. Last evaluated: 2022-10-03. Review status: criteria provided, single submitter. Criteria: Ambry Variant Classification Scheme 2023. Collection method: clinical testing. Allele origin: germline.

Labcorp Genetics (formerly Invitae), Labcorp
Classification: Uncertain significance. Last evaluated: 2022-07-08. Review status: criteria provided, single submitter. Criteria: Invitae Variant Classification Sherloc (09022015). Collection method: clinical testing. Allele origin: germline.
Comment: This sequence change replaces lysine, which is basic and polar, with arginine, which is basic and polar, at codon 802 of the RIMS1 protein (p.Lys802Arg). This variant is present in population databases (no rsID available, gnomAD 0.007%). This variant has not been reported in the literature in individuals affected with RIMS1-related conditions. ClinVar contains an entry for this variant (Variation ID: 1018775). Algorithms developed to predict the effect of missense changes on protein structure and function are either unavailable or do not agree on the potential impact of this missense change (SIFT: "Deleterious"; PolyPhen-2: "Probably Damaging"; Align-GVGD: "Class C0"). In summary, the available evidence is currently insufficient to determine the role of this variant in disease. Therefore, it has been classified as a Variant of Uncertain Significance.

Blueprint Genetics
Classification: Uncertain significance. Last evaluated: 2020-10-15. Review status: criteria provided, single submitter. Criteria: ACMG Guidelines, 2015. Collection method: clinical testing. Allele origin: germline.

NM_014989.7(RIMS1):c.2405A>G (p.Lys802Arg)

Gene: RIMS1 (regulating synaptic membrane exocytosis 1; plus strand). Cytogenetic location: 6q13.
Variant type: single nucleotide variant.
Coding change: c.2405A>G on transcript NM_014989.7 (MANE Select); coding-DNA position 2405, A replaced by G.
Protein change: p.Lys802Arg; replaces lysine 802 with arginine.
Molecular consequence: missense variant.
Genome position (GRCh38, 1-based): chr6:72,250,953, A>G. VCF-style: chr6-72250953-A-G. GRCh37 (hg19) VCF-style: chr6-72960656-A-G.
Other names: c.2405A>G (NM_014989.4); c.827A>G, p.Lys276Arg (NM_001350426.2, NM_001350427.2, NM_001350429.2 and 37 more transcripts); c.758A>G, p.Lys253Arg (NM_001350428.2, NM_001350430.2, NM_001350450.2 and 6 more transcripts); c.584A>G, p.Lys195Arg (NM_001350466.2, NM_001350467.2, NM_001350468.2 and 6 more transcripts); c.782A>G, p.Lys261Arg (NM_001350470.2, NM_001350472.2, NM_001350473.2 and 2 more transcripts); short protein forms K195R, K253R, K261R, K276R, K802R.
Identifiers: ClinVar variation 1018775 (VCV001018775.10), dbSNP rs1326597880, ClinGen allele CA364679321.